The following is an entry in ClinVar:

ClinVar aggregate classification (germline): Likely pathogenic (1 of 4 stars; one submission).

Conditions:
Neurodegeneration, childhood-onset, with multisystem involvement due to mitochondrial dysfunction. Identifiers: MedGen C5774240, MONDO:0859304, OMIM 620089.

Submission:

Servicio de Genética Del Instituto Nacional de Salud Del Niño, Ministerio de Salud
Classification: Likely pathogenic for Neurodegeneration, childhood-onset, with multisystem involvement due to mitochondrial dysfunction. Last evaluated: 2024-11-18. Review status: criteria provided, single submitter. Criteria: ACMG Guidelines, 2015. Collection method: clinical testing. Allele origin: germline. Inheritance: Autosomal recessive inheritance. Affected: yes.
Comment: The variant NM_012318.3:c.1791delinsAA (p.Tyr598Ilefs*6) causes a frameshift starting at codon 598, leading to a premature stop codon six amino acids downstream. This is predicted to result in a truncated protein or nonsense-mediated decay (NMD). According to ACMG/AMP guidelines, this variant meets the criteria for PVS1 and PM2, supporting its classification as likely pathogenic.

NM_012318.3(LETM1):c.1791delinsAA (p.Tyr598fs)

Gene: LETM1 (leucine zipper and EF-hand containing transmembrane protein 1; minus strand). Cytogenetic location: 4p16.3.
Variant type: Indel.
Coding change: c.1791delinsAA on transcript NM_012318.3 (MANE Select); coding-DNA position 1791, G replaced by AA.
Protein change: p.Tyr598fs; shifts the reading frame from tyrosine 598.
Molecular consequence: frameshift variant.
Genome position (GRCh38, 1-based): chr4:1,816,867, C replaced by TT on the plus strand (G replaced by AA on the coding strand, the reverse complement: LETM1 is on the minus strand). VCF-style: chr4-1816867-C-TT. GRCh37 (hg19) VCF-style: chr4-1818594-C-TT.
Other names: short protein forms Y598fs.
Identifiers: ClinVar variation 3381225 (VCV003381225.2).